The following is an entry in ClinVar:

NM_004046.6(ATP5F1A):c.-28A>G

Genes: ATP5F1A (ATP synthase F1 subunit alpha; minus strand), LOC126862738 (BRD4-independent group 4 enhancer GRCh37_chr18:43677662-43678861; plus strand). Cytogenetic location: 18q21.1.
Variant type: single nucleotide variant.
Coding change: c.-28A>G on transcript NM_004046.6 (MANE Select); 28 bases upstream of the start codon, A replaced by G.
Molecular consequence: 5 prime UTR variant.
Genome position (GRCh38, 1-based): chr18:46,098,259, T>C on the plus strand (A>G on the coding strand, the complement: ATP5F1A is on the minus strand). VCF-style: chr18-46098259-T-C. GRCh37 (hg19) VCF-style: chr18-43678225-T-C.
Other names: c.-251A>G (NM_001001935.3); c.-28A>G (NM_001001937.2, NM_001257334.2); c.-514A>G (NM_001257335.2).
Identifiers: ClinVar variation 380529 (VCV000380529.2), dbSNP rs148490596, ClinGen allele CA8951026.

ClinVar aggregate classification (germline): Benign. Review status: criteria provided, multiple submitters, no conflicts (2 of 4 stars). 2 submissions from 2 submitters: Benign (2). Last evaluated 2016-02-16.

Allele frequency attached by ClinVar (database versions not stated): ESP Exome Variant Server 0.00094; gnomAD 0.00693 and 0.00766; TOPMed 0.01267; 1000 Genomes Project 0.01378; 1000 Genomes Project 30x 0.01405; ExAC 0.01582; gnomAD exomes 0.01819.
gnomAD v4.1: 7,983 of 1,597,308 alleles (0.5%); highest among the groups gnomAD compares: Admixed American, 9%; 361 homozygotes.

Submissions (2):

GeneDx
Classification: Benign. Last evaluated: 2016-02-16. Review status: criteria provided, single submitter. Criteria: GeneDx Variant Classification (06012015). Collection method: clinical testing. Allele origin: germline. Affected: yes.
Comment: This variant is considered likely benign or benign based on one or more of the following criteria: it is a conservative change, it occurs at a poorly conserved position in the protein, it is predicted to be benign by multiple in silico algorithms, and/or has population frequency not consistent with disease.

Breakthrough Genomics
Classification: Benign. Review status: criteria provided, single submitter. Criteria: ACMG Guidelines, 2015. Collection method: not provided. Allele origin: germline. Inheritance: Autosomal recessive inheritance. Affected: yes.